The following is an entry in ClinVar:

NM_033337.3(CAV3):c.260T>C (p.Leu87Pro)

Genes: OXTR (oxytocin receptor; minus strand), CAV3 (caveolin 3; plus strand). Cytogenetic location: 3p25.3.
Variant type: single nucleotide variant.
Coding change: c.260T>C on transcript NM_033337.3 (MANE Select); coding-DNA position 260, T replaced by C.
Protein change: p.Leu87Pro; replaces leucine 87 with proline.
Molecular consequence: missense variant.
Genome position (GRCh38, 1-based): chr3:8,745,671, T>C. VCF-style: chr3-8745671-T-C. GRCh37 (hg19) VCF-style: chr3-8787357-T-C.
Other names: c.260T>C, p.Leu87Pro (NM_001234.5); short protein forms L87P.
Identifiers: ClinVar variation 8284 (VCV000008284.15), dbSNP rs28936685, ClinGen allele CA119437.

ClinVar aggregate classification (germline): Uncertain significance. Review status: criteria provided, multiple submitters, no conflicts (2 of 4 stars). 6 submissions from 6 submitters: Uncertain significance (4). 2 of the submissions do not count toward it. Last evaluated 2024-12-03.

Conditions:
Cardiovascular phenotype. Identifiers: MedGen CN230736.
Long QT syndrome (LQTS). Identifiers: MedGen C0023976, MeSH D008133, MONDO:0002442. Disease mechanism: loss of function. Inheritance: Various modes of inheritance.
SUDDEN INFANT DEATH SYNDROME (SIDS). Also called: Sudden Infant Death. Identifiers: MedGen C0038644, MeSH D013398, OMIM 272120.
Rippling muscle disease 2 (RMD2). Also called: CAV3-Related Rippling Muscle Disease; Limb-girdle muscular dystrophy, type 1C. Identifiers: Orphanet 265, MedGen C1832560, MONDO:0019947, OMIM 606072.

Allele frequency attached by ClinVar (database versions not stated): gnomAD 0.00001; TOPMed 0.00001.
gnomAD v4.1: 55 of 1,614,082 alleles (0.0034%); highest among the groups gnomAD compares: Non-Finnish European, 0.0039%; no homozygotes.

Submissions (6):

Revvity Omics, Revvity
Classification: Uncertain significance. Last evaluated: 2024-12-03. Review status: criteria provided, single submitter. Criteria: ACMG Guidelines, 2015. Collection method: clinical testing. Allele origin: germline.

Labcorp Genetics (formerly Invitae), Labcorp
Classification: Uncertain significance for Long QT syndrome. Last evaluated: 2024-10-17. Review status: criteria provided, single submitter. Criteria: Invitae Variant Classification Sherloc (09022015). Collection method: clinical testing. Allele origin: germline.
Comment: This sequence change replaces leucine, which is neutral and non-polar, with proline, which is neutral and non-polar, at codon 87 of the CAV3 protein (p.Leu87Pro). This variant is present in population databases (rs28936685, gnomAD 0.002%). This missense change has been observed in individual(s) with rippling muscle disease and/or sudden unexpected death (PMID: 12666119, 35027292). This variant is also known as L86P. ClinVar contains an entry for this variant (Variation ID: 8284). An algorithm developed to predict the effect of missense changes on protein structure and function (PolyPhen-2) suggests that this variant is likely to be disruptive. In summary, the available evidence is currently insufficient to determine the role of this variant in disease. Therefore, it has been classified as a Variant of Uncertain Significance.

Robert's Program, Boston Children's Hospital
Classification: Uncertain significance for SUDDEN INFANT DEATH SYNDROME. Last evaluated: 2021-10-01. Review status: criteria provided, single submitter. Criteria: ACMG Guidelines, 2015. Collection method: research. Allele origin: germline. Affected: yes.
Comment: We classify this variant as a variant of uncertain significance using ACMG/AMP criteria. As this variant has functional evidence supporting pathogenicty, we suspect this variant is favoring pathogenic.

Ambry Genetics
Classification: Uncertain significance for Cardiovascular phenotype. Last evaluated: 2020-03-18. Review status: criteria provided, single submitter. Criteria: Ambry Variant Classification Scheme 2023. Collection method: clinical testing. Allele origin: germline.

Leiden Muscular Dystrophy (CAV3)
No classification provided. Last evaluated: 2012-04-15. Review status: no classification provided. Collection method: curation. Allele origin: germline. Not counted in ClinVar's aggregate classification.

OMIM
Classification: Pathogenic for RIPPLING MUSCLE DISEASE 2. Last evaluated: 2005-01-01. Review status: no assertion criteria provided. Collection method: literature only. Allele origin: germline. Not counted in ClinVar's aggregate classification.

Literature cited by the submitters: PubMed 12666119 (cited by Labcorp Genetics (formerly Invitae), Labcorp and OMIM); PubMed 35027292 (cited by Labcorp Genetics (formerly Invitae), Labcorp); PubMed 15580566 (cited by OMIM).